The following is an entry in ClinVar:

NM_004055.5(CAPN5):c.848G>A (p.Arg283His)

Gene: CAPN5 (calpain 5; plus strand). Cytogenetic location: 11q13.5.
Variant type: single nucleotide variant.
Coding change: c.848G>A on transcript NM_004055.5 (MANE Select); coding-DNA position 848, G replaced by A.
Protein change: p.Arg283His; replaces arginine 283 with histidine.
Molecular consequence: missense variant.
Genome position (GRCh38, 1-based): chr11:77,115,543, G>A. VCF-style: chr11-77115543-G-A. GRCh37 (hg19) VCF-style: chr11-76826589-G-A.
Other names: short protein forms R283H.
Identifiers: ClinVar variation 2075952 (VCV002075952.4), dbSNP rs199972838, ClinGen allele CA6196573.

ClinVar aggregate classification (germline): Uncertain significance (1 of 4 stars; one submission).

Allele frequency attached by ClinVar (database versions not stated): TOPMed 0.00001; ExAC 0.00002; gnomAD 0.00001.
gnomAD v4.1: 12 of 1,612,850 alleles (0.00074%); highest among the groups gnomAD compares: Admixed American, 0.0017%; no homozygotes.

Submission:

Labcorp Genetics (formerly Invitae), Labcorp
Classification: Uncertain significance. Last evaluated: 2024-07-23. Review status: criteria provided, single submitter. Criteria: Invitae Variant Classification Sherloc (09022015). Collection method: clinical testing. Allele origin: germline.
Comment: This sequence change replaces arginine, which is basic and polar, with histidine, which is basic and polar, at codon 283 of the CAPN5 protein (p.Arg283His). The frequency data for this variant in the population databases is considered unreliable, as metrics indicate poor data quality at this position in the gnomAD database. This variant has not been reported in the literature in individuals affected with CAPN5-related conditions. ClinVar contains an entry for this variant (Variation ID: 2075952). Advanced modeling of protein sequence and biophysical properties (such as structural, functional, and spatial information, amino acid conservation, physicochemical variation, residue mobility, and thermodynamic stability) has been performed at Invitae for this missense variant, however the output from this modeling did not meet the statistical confidence thresholds required to predict the impact of this variant on CAPN5 protein function. In summary, the available evidence is currently insufficient to determine the role of this variant in disease. Therefore, it has been classified as a Variant of Uncertain Significance.